The following is an entry in ClinVar:

ClinVar aggregate classification (germline): Uncertain significance (1 of 4 stars; one submission).

gnomAD v4.1: 3 of 1,613,924 alleles (0.00019%); highest among the groups gnomAD compares: South Asian, 0.0011%; no homozygotes.

Submission:

Ambry Genetics
Classification: Uncertain significance. Last evaluated: 2024-05-23. Review status: criteria provided, single submitter. Criteria: Ambry Variant Classification Scheme 2023. Collection method: clinical testing. Allele origin: germline.
Comment: The p.I1044V variant (also known as c.3130A>G), located in coding exon 27 of the PRKDC gene, results from an A to G substitution at nucleotide position 3130. The isoleucine at codon 1044 is replaced by valine, an amino acid with highly similar properties. This amino acid position is conserved. In addition, this alteration is predicted to be tolerated by in silico analysis. Based on the available evidence, the clinical significance of this variant remains unclear.

NM_006904.7(PRKDC):c.3130A>G (p.Ile1044Val)

Gene: PRKDC (protein kinase, DNA-activated, catalytic subunit; minus strand). Cytogenetic location: 8q11.21.
Variant type: single nucleotide variant.
Coding change: c.3130A>G on transcript NM_006904.7 (MANE Select); coding-DNA position 3130, A replaced by G.
Protein change: p.Ile1044Val; replaces isoleucine 1044 with valine.
Molecular consequence: missense variant.
Genome position (GRCh38, 1-based): chr8:47,902,708, T>C on the plus strand (A>G on the coding strand, the complement: PRKDC is on the minus strand). VCF-style: chr8-47902708-T-C. GRCh37 (hg19) VCF-style: chr8-48815268-T-C.
Other names: c.3130A>G, p.Ile1044Val (NM_001081640.2); short protein forms I1044V.
Identifiers: ClinVar variation 3310041 (VCV003310041.1).